The following is an entry in ClinVar:

ClinVar aggregate classification (germline): Uncertain significance. Review status: criteria provided, multiple submitters, no conflicts (2 of 4 stars). 2 submissions from 2 submitters: Uncertain significance (2). Last evaluated 2022-05-29.

Conditions:
ALG3-congenital disorder of glycosylation. Also called: CARBOHYDRATE-DEFICIENT GLYCOPROTEIN SYNDROME, TYPE IV; CDGS, TYPE IV; ALG3-CDG; CONGENITAL DISORDER OF GLYCOSYLATION, TYPE Id; CDG Id. Identifiers: Orphanet 79321, MedGen C1832736, MONDO:0010998, OMIM 601110.

Allele frequency attached by ClinVar (database versions not stated): ExAC 0.00002; gnomAD exomes 0.00004; gnomAD 0.00006; TOPMed 0.00010; ESP Exome Variant Server 0.00027.

Submissions (2):

Labcorp Genetics (formerly Invitae), Labcorp
Classification: Uncertain significance for ALG3-congenital disorder of glycosylation. Last evaluated: 2022-05-29. Review status: criteria provided, single submitter. Criteria: Invitae Variant Classification Sherloc (09022015). Collection method: clinical testing. Allele origin: germline.
Comment: ClinVar contains an entry for this variant (Variation ID: 499704). This variant has not been reported in the literature in individuals affected with ALG3-related conditions. This variant is present in population databases (rs369888932, gnomAD 0.01%). This sequence change replaces leucine, which is neutral and non-polar, with valine, which is neutral and non-polar, at codon 5 of the ALG3 protein (p.Leu5Val). Algorithms developed to predict the effect of missense changes on protein structure and function output the following: SIFT: "Tolerated"; PolyPhen-2: "Benign"; Align-GVGD: "Class C0". The valine amino acid residue is found in multiple mammalian species, which suggests that this missense change does not adversely affect protein function. In summary, the available evidence is currently insufficient to determine the role of this variant in disease. Therefore, it has been classified as a Variant of Uncertain Significance.

Eurofins Ntd Llc (ga)
Classification: Uncertain significance. Last evaluated: 2018-03-22. Review status: criteria provided, single submitter. Criteria: EGL ClinVar v180209 classification definitions. Collection method: clinical testing. Allele origin: germline. Observed: 1 variant allele, 1 heterozygote.

NM_005787.6(ALG3):c.13C>G (p.Leu5Val)

Gene: ALG3 (ALG3 alpha-1,3- mannosyltransferase; minus strand). Cytogenetic location: 3q27.1.
Variant type: single nucleotide variant.
Coding change: c.13C>G on transcript NM_005787.6 (MANE Select); coding-DNA position 13, C replaced by G.
Protein change: p.Leu5Val; replaces leucine 5 with valine.
Molecular consequence: missense variant. On other transcripts: non-coding transcript variant (2), intron variant (1).
Genome position (GRCh38, 1-based): chr3:184,248,928, G>C on the plus strand (C>G on the coding strand, the complement: ALG3 is on the minus strand). VCF-style: chr3-184248928-G-C. GRCh37 (hg19) VCF-style: chr3-183966716-G-C.
Other names: c.52+298C>G (NM_001006941.2); short protein forms L5V.
Identifiers: ClinVar variation 499704 (VCV000499704.9), dbSNP rs369888932, ClinGen allele CA2729684.
Genomic context (GRCh38, chr3:184,248,928, plus strand): 5'-GCCATTGCTTGCAGAGTCCCTCTGCCTGGGCCGCGGAACCGGACCGGCCGCGTTTCCGCA[G>C]CCCAGCCGCCATCTTAACGGTGCGCCGCTTGTGTGGGCCCACCACCCCCGGAAACCCGAA-3'
Protein context (NP_005778.1, residues 1-15): MAAG[Leu5Val]RKRGRSGSAA